The following is an entry in ClinVar:

NM_002500.5(NEUROD1):c.284G>T (p.Arg95Leu)

Gene: NEUROD1 (neuronal differentiation 1; minus strand). Cytogenetic location: 2q31.3.
Variant type: single nucleotide variant.
Coding change: c.284G>T on transcript NM_002500.5 (MANE Select); coding-DNA position 284, G replaced by T.
Protein change: p.Arg95Leu; replaces arginine 95 with leucine.
Molecular consequence: missense variant.
Genome position (GRCh38, 1-based): chr2:181,678,577, C>A on the plus strand (G>T on the coding strand, the complement: NEUROD1 is on the minus strand). VCF-style: chr2-181678577-C-A. GRCh37 (hg19) VCF-style: chr2-182543304-C-A.
Other names: short protein forms R95L.
Identifiers: ClinVar variation 1943346 (VCV001943346.5), dbSNP rs1559135426, ClinGen allele CA349786306.

ClinVar aggregate classification (germline): Uncertain significance (1 of 4 stars; one submission).

Allele frequency attached by ClinVar (database versions not stated): gnomAD 0.00001; gnomAD exomes 0.00001; TOPMed 0.00001.
gnomAD v4.1: 7 of 1,614,198 alleles (0.00043%); highest among the groups gnomAD compares: African/African-American, 0.0027%; no homozygotes.

Submission:

Labcorp Genetics (formerly Invitae), Labcorp
Classification: Uncertain significance. Last evaluated: 2025-11-13. Review status: criteria provided, single submitter. Criteria: Invitae Variant Classification Sherloc (09022015). Collection method: clinical testing. Allele origin: germline.
Comment: This sequence change replaces arginine, which is basic and polar, with leucine, which is neutral and non-polar, at codon 95 of the NEUROD1 protein (p.Arg95Leu). This variant is not present in population databases (gnomAD no frequency). This variant has not been reported in the literature in individuals affected with NEUROD1-related conditions. ClinVar contains an entry for this variant (Variation ID: 1943346). Invitae Evidence Modeling of protein sequence and biophysical properties (such as structural, functional, and spatial information, amino acid conservation, physicochemical variation, residue mobility, and thermodynamic stability) indicates that this missense variant is expected to disrupt NEUROD1 protein function with a positive predictive value of 80%. In summary, the available evidence is currently insufficient to determine the role of this variant in disease. Therefore, it has been classified as a Variant of Uncertain Significance.